The following is an entry in ClinVar:

NM_003086.4(SNAPC4):c.810+1G>A

Gene: SNAPC4 (small nuclear RNA activating complex polypeptide 4; minus strand). Cytogenetic location: 9q34.3.
Variant type: single nucleotide variant.
Coding change: c.810+1G>A on transcript NM_003086.4 (MANE Select); the canonical splice donor site of the intron after coding-DNA position 810, G replaced by A.
Molecular consequence: splice donor variant.
Genome position (GRCh38, 1-based): chr9:136,392,521, C>T on the plus strand (G>A on the coding strand, the complement: SNAPC4 is on the minus strand). VCF-style: chr9-136392521-C-T. GRCh37 (hg19) VCF-style: chr9-139286973-C-T.
Other names: c.810+1G>A (NM_001394203.1, NM_001394202.1, NM_001394201.1).
Identifiers: ClinVar variation 4292073 (VCV004292073.1).
Genomic context (GRCh38, chr9:136,392,521, plus strand): 5'-ACCCGGGCTACAGGGAGCTGTGCTCCAAGCTGCTTGGGGCTCAGACCTGCCCCTGACTTA[C>T]GTTAATATTGGAAATCTTCTCCCAGTCGTGGCTGTCCAGCCTGTTTCCCAGCAAGGCCTC-3'

ClinVar aggregate classification (germline): Likely pathogenic (1 of 4 stars; one submission).

Conditions:
Neurodevelopmental disorder with motor regression, progressive spastic paraplegia, and oromotor dysfunction (NEDRSO). Identifiers: MedGen C5882695, MONDO:0957791, OMIM 620515.

gnomAD v4.1: 13 of 1,613,656 alleles (0.00081%); highest among the groups gnomAD compares: South Asian, 0.0077%; no homozygotes.

Submission:

3billion
Classification: Likely pathogenic for Neurodevelopmental disorder with motor regression, progressive spastic paraplegia, and oromotor dysfunction. Last evaluated: 2025-01-18. Review status: criteria provided, single submitter. Criteria: ACMG Guidelines, 2015. Collection method: clinical testing. Allele origin: germline. Affected: yes.
Comment: The variant is observed at an extremely low frequency in the gnomAD v4.1.0 dataset (total allele frequency: <0.001%). Predicted Consequence/Location: Canonical splice site: predicted to alter splicing and result in a loss or disruption of normal protein function. Multiple pathogenic loss-of-function variants are reported downstream of the variant. Therefore, this variant is classified as Likely pathogenic according to the recommendation of ACMG/AMP guideline.